The following is an entry in ClinVar:

NM_001370259.2(MEN1):c.688dup (p.Cys230fs)

Gene: MEN1 (menin 1; minus strand). Cytogenetic location: 11q13.1.
Variant type: Duplication.
Coding change: c.688dup on transcript NM_001370259.2 (MANE Select); coding-DNA position 688, one base duplicated (T; older notation c.688dupT).
Protein change: p.Cys230fs; shifts the reading frame from cysteine 230.
Molecular consequence: frameshift variant.
Genome position (GRCh38, 1-based): chr11:64,807,647, A duplicated on the plus strand (T on the coding strand, the reverse complement: MEN1 is on the minus strand). VCF-style (leftmost placement, unchanged base first): chr11-64807646-C-CA. GRCh37 (hg19) VCF-style: chr11-64575118-C-CA.
Other names: c.703dup, p.Cys235fs (NM_000244.4, NM_130800.3, NM_130801.3 and 3 more transcripts); c.688dup, p.Cys230fs (NM_001370251.2, NM_001370260.2, NM_001370261.2 and 1 more transcripts); c.583dup, p.Cys195fs (NM_001370262.2, NM_001370263.2); c.688dup, p.Cys230Leufs (NM_001407142.1, NM_001407143.1, NM_001407144.1 and 3 more transcripts); c.703dup, p.Cys235Leufs (NM_001407145.1, NM_001407150.1); c.583dup, p.Cys195Leufs (NM_001407148.1, NM_001407149.1, NM_001407151.1); c.688dupT (NM_130799.2); short protein forms C195fs, C230fs, C235fs.
Identifiers: ClinVar variation 1755989 (VCV001755989.3), dbSNP rs2497206716, ClinGen allele CA2580084515.
Genomic context (GRCh38, chr11:64,807,646, plus strand): 5'-TGCAGGTCAATGGAAGGGTTGATGGCACACACCATGAACGCCACCTCCATCTTGCGGTCA[C>CA]AGCGCATGTATGATCCTTTCAGGTACAGCCAGCTCTTAGGGGGGGATGAGATCATTATGT-3'

ClinVar aggregate classification (germline): Pathogenic. Review status: criteria provided, multiple submitters, no conflicts (2 of 4 stars). 2 submissions from 2 submitters: Pathogenic (2). Last evaluated 2026-06-17.

Conditions:
Multiple endocrine neoplasia, type 1 (MEN1). Also called: MEA I; MEN I; WERMER SYNDROME; Endocrine adenomatosis multiple; MEN 1. Identifiers: Orphanet 652, MedGen C0025267, MeSH D018761, MONDO:0007540, OMIM 131100.
Hereditary cancer-predisposing syndrome. Also called: Neoplastic Syndromes, Hereditary; Tumor predisposition; Hereditary neoplastic syndrome; Hereditary Cancer Syndrome. Identifiers: Orphanet 140162, MedGen C0027672, MeSH D009386, MONDO:0015356.

Submissions (2):

Myriad Genetics, Inc.
Classification: Pathogenic for Multiple endocrine neoplasia, type 1. Last evaluated: 2026-06-17. Review status: criteria provided, single submitter. Criteria: Myriad Autosomal Dominant, Autosomal Recessive and X-Linked Classification Criteria (2023). Collection method: clinical testing. Allele origin: unknown.
Comment: This variant is considered pathogenic. This variant creates a frameshift predicted to result in premature protein truncation.

Ambry Genetics
Classification: Pathogenic for Hereditary cancer-predisposing syndrome. Last evaluated: 2018-06-26. Review status: criteria provided, single submitter. Criteria: Ambry Variant Classification Scheme 2023. Collection method: clinical testing. Allele origin: germline.
Comment: The c.688dupT pathogenic mutation, located in coding exon 3 of the MEN1 gene, results from a duplication of T at nucleotide position 688, causing a translational frameshift with a predicted alternate stop codon (p.C230Lfs*2). This alteration is expected to result in loss of function by premature protein truncation or nonsense-mediated mRNA decay. As such, this alteration is interpreted as a disease-causing mutation.